The following is an entry in ClinVar:

ClinVar aggregate classification (germline): Uncertain significance (1 of 4 stars; one submission).

Conditions:
Aicardi-Goutieres syndrome 2. Identifiers: Orphanet 51, MedGen C3489724, MONDO:0012429, OMIM 610181.

Submission:

Labcorp Genetics (formerly Invitae), Labcorp
Classification: Uncertain significance for Aicardi-Goutieres syndrome 2. Last evaluated: 2022-05-15. Review status: criteria provided, single submitter. Criteria: Invitae Variant Classification Sherloc (09022015). Collection method: clinical testing. Allele origin: germline.
Comment: This sequence change replaces isoleucine, which is neutral and non-polar, with threonine, which is neutral and polar, at codon 297 of the RNASEH2B protein (p.Ile297Thr). This variant is not present in population databases (gnomAD no frequency). This variant has not been reported in the literature in individuals affected with RNASEH2B-related conditions. Algorithms developed to predict the effect of missense changes on protein structure and function are either unavailable or do not agree on the potential impact of this missense change (SIFT: "Deleterious"; PolyPhen-2: "Probably Damaging"; Align-GVGD: "Class C0"). In summary, the available evidence is currently insufficient to determine the role of this variant in disease. Therefore, it has been classified as a Variant of Uncertain Significance.

NM_024570.4(RNASEH2B):c.890T>C (p.Ile297Thr)

Gene: RNASEH2B (ribonuclease H2 subunit B; plus strand). Cytogenetic location: 13q14.3.
Variant type: single nucleotide variant.
Coding change: c.890T>C on transcript NM_024570.4 (MANE Select); coding-DNA position 890, T replaced by C.
Protein change: p.Ile297Thr; replaces isoleucine 297 with threonine.
Molecular consequence: missense variant. On other transcripts: intron variant (1).
Genome position (GRCh38, 1-based): chr13:50,956,425, T>C. VCF-style: chr13-50956425-T-C. GRCh37 (hg19) VCF-style: chr13-51530561-T-C.
Other names: c.741+6920T>C (NM_001142279.2); short protein forms I297T.
Identifiers: ClinVar variation 1969263 (VCV001969263.2), dbSNP rs2541548494, ClinGen allele CA388260421.